The following is an entry in ClinVar:

ClinVar aggregate classification (germline): Benign/Likely benign. Review status: criteria provided, multiple submitters, no conflicts (2 of 4 stars). 3 submissions from 3 submitters: Benign (1); Likely benign (2). Last evaluated 2024-04-04.

Conditions:
Hereditary cancer-predisposing syndrome. Also called: Neoplastic Syndromes, Hereditary; Tumor predisposition; Hereditary Cancer Syndrome; Hereditary neoplastic syndrome. Identifiers: Orphanet 140162, MedGen C0027672, MeSH D009386, MONDO:0015356.
Familial adenomatous polyposis 1 (FAP1). Also called: FAMILIAL ADENOMATOUS POLYPOSIS 1, ATTENUATED; POLYPOSIS, ADENOMATOUS INTESTINAL. Identifiers: MedGen C2713442, MONDO:0021056, OMIM 175100. Disease mechanism: loss of function.

Submissions (3):

Myriad Genetics, Inc.
Classification: Benign for Familial adenomatous polyposis 1. Last evaluated: 2024-04-04. Review status: criteria provided, single submitter. Criteria: Myriad Autosomal Dominant, Autosomal Recessive and X-Linked Classification Criteria (2023). Collection method: clinical testing. Allele origin: unknown.
Comment: This variant is considered benign. This variant is a silent/synonymous amino acid change and it is not expected to impact splicing.

Color Diagnostics, LLC DBA Color Health
Classification: Likely benign for Hereditary cancer-predisposing syndrome. Last evaluated: 2022-02-16. Review status: criteria provided, single submitter. Criteria: ACMG Guidelines, 2015. Collection method: clinical testing. Allele origin: germline.

Ambry Genetics
Classification: Likely benign for Hereditary cancer-predisposing syndrome. Last evaluated: 2020-01-22. Review status: criteria provided, single submitter. Criteria: Ambry Variant Classification Scheme 2023. Collection method: clinical testing. Allele origin: germline.

NM_000038.6(APC):c.6399T>C (p.Asp2133=)

Gene: APC (APC regulator of Wnt signaling pathway; plus strand). Cytogenetic location: 5q22.2.
Variant type: single nucleotide variant.
Coding change: c.6399T>C on transcript NM_000038.6 (MANE Select); coding-DNA position 6399, T replaced by C.
Protein change: p.Asp2133=; no amino-acid change (aspartic acid 2133 retained).
Molecular consequence: synonymous variant. On other transcripts: non-coding transcript variant (2).
Genome position (GRCh38, 1-based): chr5:112,841,993, T>C. VCF-style: chr5-112841993-T-C. GRCh37 (hg19) VCF-style: chr5-112177690-T-C.
Other names: c.6399T>C, p.Asp2133= (NM_001127510.3, NM_001354895.2, NM_001407450.1); c.6345T>C, p.Asp2115= (NM_001127511.3); c.6453T>C, p.Asp2151= (NM_001354896.2, NM_001407447.1, NM_001407448.1 and 1 more transcripts); c.6429T>C, p.Asp2143= (NM_001354897.2); c.6324T>C, p.Asp2108= (NM_001354898.2); c.6315T>C, p.Asp2105= (NM_001354899.2); c.6276T>C, p.Asp2092= (NM_001354900.2); c.6222T>C, p.Asp2074= (NM_001354901.2, NM_001407453.1); and 11 more.
Identifiers: ClinVar variation 1753262 (VCV001753262.5), dbSNP rs2149964017, ClinGen allele CA446210418.